The following is an entry in ClinVar:

NM_000431.4(MVK):c.608T>C (p.Val203Ala)

Gene: MVK (mevalonate kinase; plus strand). Cytogenetic location: 12q24.11.
Variant type: single nucleotide variant.
Coding change: c.608T>C on transcript NM_000431.4 (MANE Select); coding-DNA position 608, T replaced by C.
Protein change: p.Val203Ala; replaces valine 203 with alanine.
Molecular consequence: missense variant.
Genome position (GRCh38, 1-based): chr12:109,586,102, T>C. VCF-style: chr12-109586102-T-C. GRCh37 (hg19) VCF-style: chr12-110023907-T-C.
Other names: c.608T>C (LRG_156t1); c.608T>C, p.Val203Ala (NM_001114185.3); c.452T>C, p.Val151Ala (NM_001301182.2); short protein forms V203A, V151A.
Identifiers: ClinVar variation 97601 (VCV000097601.16), dbSNP rs104895332, ClinGen allele CA149853.

ClinVar aggregate classification (germline): Pathogenic/Likely pathogenic. Review status: criteria provided, multiple submitters, no conflicts (2 of 4 stars). 7 submissions from 7 submitters: Pathogenic (2); Likely pathogenic (4). 1 of the submissions does not count toward it. Last evaluated 2025-12-26.

Conditions:
Deficiency of mevalonate kinase. Also called: Mevalonate kinase deficiency. Identifiers: Orphanet 309025, MedGen C0342731, MONDO:0017708.
autosomal recessive MVK-related disorders.
Porokeratosis 3, disseminated superficial actinic type (POROK3). Also called: POROKERATOSIS 3, MULTIPLE TYPES; POROKERATOSIS 3, MIBELLI TYPE; POROKERATOSIS, DISSEMINATED SUPERFICIAL ACTINIC, 1. Identifiers: MedGen C1867981, MONDO:0008293, OMIM 175900.
Mevalonic aciduria (MEVA). Identifiers: Orphanet 29, MedGen C1959626, MONDO:0012481, OMIM 610377.
Hyperimmunoglobulin D with periodic fever (HIDS). Also called: Hyperimmunoglobulinemia D; Hyperimmunoglobulinemia D with periodic fever; HYPERIMMUNOGLOBULINEMIA D AND PERIODIC FEVER SYNDROME. Identifiers: Orphanet 343, MedGen C0398691, MONDO:0009849, OMIM 260920.

Allele frequency attached by ClinVar (database versions not stated): ExAC 0.00001; gnomAD exomes 0.00001; TOPMed 0.00002; gnomAD 0.00003 and 0.00004.
gnomAD v4.1: 9 of 1,613,716 alleles (0.00056%); highest among the groups gnomAD compares: African/African-American, 0.0013%; no homozygotes.

Submissions (7):

Labcorp Genetics (formerly Invitae), Labcorp
Classification: Pathogenic for Mevalonic aciduria; Hyperimmunoglobulin D with periodic fever; Porokeratosis 3, disseminated superficial actinic type. Last evaluated: 2025-12-26. Review status: criteria provided, single submitter. Criteria: Invitae Variant Classification Sherloc (09022015). Collection method: clinical testing. Allele origin: germline.
Comment: This sequence change replaces valine, which is neutral and non-polar, with alanine, which is neutral and non-polar, at codon 203 of the MVK protein (p.Val203Ala). This variant is present in population databases (rs104895332, gnomAD 0.003%). This missense change has been observed in individual(s) with periodic fever and mevalonate kinase deficiency (PMID: 15188372, 29047407). In at least one individual the data is consistent with being in trans (on the opposite chromosome) from a pathogenic variant. It has also been observed to segregate with disease in related individuals. ClinVar contains an entry for this variant (Variation ID: 97601). Invitae Evidence Modeling of protein sequence and biophysical properties (such as structural, functional, and spatial information, amino acid conservation, physicochemical variation, residue mobility, and thermodynamic stability) indicates that this missense variant is expected to disrupt MVK protein function with a positive predictive value of 95%. For these reasons, this variant has been classified as Pathogenic.

Variantyx, Inc.
Classification: Likely pathogenic for Autosomal recessive MVK-related disorders. Last evaluated: 2025-08-15. Review status: criteria provided, single submitter. Criteria: Variantyx Assertion Criteria 2022. Collection method: clinical testing. Allele origin: germline. Inheritance: Autosomal recessive inheritance. Affected: no.
Comment: This is a nonsynonymous variant in the MVK gene (OMIM: 251170). Pathogenic variants in this gene have been associated with autosomal recessive MVK-related disorders. This variant has been identified in the homozygous or compound heterozygous state in at least 3 individuals reported in the published literature (PMID:15188372, 29047407) (PM3). Functional studies have shown that this variant alters MVK protein function (PMID: 15188372) (PS3_Moderate) and multiple computational algorithms predict a deleterious effect for this variant (REVEL score: 0.874) (PP3). This variant has a 0.0019% maximum allele frequency in non-founder control populations (PM2). Based on the current evidence, this variant is classified as likely pathogenic for autosomal recessive MVK-related disorders.

Myriad Genetics, Inc.
Classification: Likely pathogenic for Deficiency of mevalonate kinase. Last evaluated: 2025-03-10. Review status: criteria provided, single submitter. Criteria: Myriad Autosomal Dominant, Autosomal Recessive and X-Linked Classification Criteria (2023). Collection method: clinical testing. Allele origin: unknown.
Comment: NM_000431.2(MVK):c.608T>C(V203A) is a missense variant classified as likely pathogenic in the context of mevalonate kinase deficiency. V203A has been observed in cases with relevant disease (PMID: 15188372, 29047407, Barron 2013). Relevant functional assessments of this variant are not available in the literature. Internal structural analysis of the variant is supportive of pathogenicity. V203A has been observed in referenced population frequency databases. In summary, NM_000431.2(MVK):c.608T>C(V203A) is a missense variant that has internal structural support for pathogenicity and has been observed more frequently in cases with the relevant disease than in healthy populations. Please note: this variant was assessed in the context of healthy population screening.

Fulgent Genetics
Classification: Likely pathogenic for Porokeratosis 3, disseminated superficial actinic type; Hyperimmunoglobulin D with periodic fever; Mevalonic aciduria. Last evaluated: 2024-05-28. Review status: criteria provided, single submitter. Criteria: ACMG Guidelines, 2015. Collection method: clinical testing. Allele origin: germline.

GeneDx
Classification: Pathogenic. Last evaluated: 2020-01-13. Review status: criteria provided, single submitter. Criteria: GeneDx Variant Classification Process June 2021. Collection method: clinical testing. Allele origin: germline. Affected: yes.
Comment: Published functional studies demonstrate a damaging effect on enzyme activity (Stojanov et al., 2004); In silico analysis, which includes protein predictors and evolutionary conservation, supports a deleterious effect; This variant is associated with the following publications: (PMID: 15188372)

Mayo Clinic Laboratories, Mayo Clinic
Classification: Likely pathogenic. Last evaluated: 2019-08-03. Review status: criteria provided, single submitter. Criteria: ACMG Guidelines, 2015. Collection method: clinical testing. Allele origin: germline. Observed: 1 variant allele.
Comment: PM3, PP3, PP4, PS3_moderate

Unité médicale des maladies autoinflammatoires, CHRU Montpellier
No classification provided. Condition: Hyperimmunoglobulin D with periodic fever. Review status: no classification provided. Collection method: not provided. Allele origin: unknown. Not counted in ClinVar's aggregate classification.
Comment: also involved in OMIM 25117

Literature cited by the submitters: PubMed 15188372 (cited by 3 submitters); PubMed 29047407 (cited by 3 submitters).